The following is an entry in ClinVar:

ClinVar aggregate classification (germline): Likely pathogenic (1 of 4 stars; one submission).

Conditions:
Oculocutaneous albinism type 1A (OCA1A). Also called: Albinism, oculocutaneous, type IA. Identifiers: Orphanet 352731, Orphanet 79431, MedGen C4551504, MONDO:0008745, OMIM 203100. Disease mechanism: loss of function.
Oculocutaneous albinism type 1B (OCA1B). Also called: ALBINISM, OCULOCUTANEOUS, TYPE IB; ALBINISM, YELLOW MUTANT TYPE; YELLOW ALBINISM. Identifiers: Orphanet 352731, Orphanet 352737, Orphanet 79434, MedGen C1847024, MONDO:0011749, OMIM 606952.
SKIN/HAIR/EYE PIGMENTATION 3, LIGHT/DARK SKIN (SHEP3). Also called: SKIN/HAIR/EYE PIGMENTATION, VARIATION IN, 3; EYE COLOR 1; EYE COLOR, GREEN/BLUE; SKIN/HAIR/EYE PIGMENTATION 3, BLUE/GREEN EYE COLOR; SKIN/HAIR/EYE PIGMENTATION 3, FRECKLING. Identifiers: MedGen C2677190, OMIM 601800.

Submission:

Juno Genomics, Hangzhou Juno Genomics, Inc
Classification: Likely pathogenic for Oculocutaneous albinism type 1A; Oculocutaneous albinism type 1B; SKIN/HAIR/EYE PIGMENTATION 3, LIGHT/DARK SKIN. Review status: criteria provided, single submitter. Criteria: ACMG Guidelines, 2015. Collection method: clinical testing. Allele origin: germline. Affected: yes.
Comment: Null variant in a gene where loss of function (LOF) is a known mechanism of disease.;Absent from controls (or at extremely low frequency if recessive) in Genome Aggregation Database, Exome Sequencing Project, 1000 Genomes Project, or Exome Aggregation Consortium.

NM_000372.5(TYR):c.692_696del (p.Phe231fs)

Gene: TYR (tyrosinase; plus strand). Cytogenetic location: 11q14.3.
Variant type: Deletion.
Coding change: c.692_696del on transcript NM_000372.5 (MANE Select); coding-DNA positions 692 to 696, 5 bases deleted (TCACT; older notation c.692_696delTCACT).
Protein change: p.Phe231fs; shifts the reading frame from phenylalanine 231.
Molecular consequence: frameshift variant.
Genome position (GRCh38, 1-based): chr11:89,178,645-89,178,649, TCACT deleted; deleting any 5 consecutive bases within chr11:89,178,642-89,178,649 gives the same sequence; the c. name uses the placement nearest the transcript's 3' end. VCF-style (leftmost placement, unchanged base first): chr11-89178641-AACTTC-A. GRCh37 (hg19) VCF-style: chr11-88911809-AACTTC-A.
Other names: short protein forms F231fs.
Identifiers: ClinVar variation 3392501 (VCV003392501.2).
Genomic context (GRCh38, chr11:89,178,641, plus strand): 5'-TGGCATAGACTCTTCTTGTTGCGGTGGGAACAAGAAATCCAGAAGCTGACAGGAGATGAA[AACTTC>A]ACTATTCCATATTGGGACTGGCGGGATGCAGAAAAGTGTGACATTTGCACAGATGAGTAC-3'